The following is an entry in ClinVar:

NM_020995.4(HPR):c.906C>T (p.Ala302=)

Gene: HPR (haptoglobin-related protein; plus strand). Cytogenetic location: 16q22.2.
Variant type: single nucleotide variant.
Coding change: c.906C>T on transcript NM_020995.4 (MANE Select); coding-DNA position 906, C replaced by T.
Protein change: p.Ala302=; no amino-acid change (alanine 302 retained).
Molecular consequence: synonymous variant.
Genome position (GRCh38, 1-based): chr16:72,076,940, C>T. VCF-style: chr16-72076940-C-T. GRCh37 (hg19) VCF-style: chr16-72110839-C-T.
Other names: c.546C>T, p.Ala182= (NM_001384360.1).
Identifiers: ClinVar variation 4820683 (VCV004820683.4).
Genomic context (GRCh38, chr16:72,076,940, plus strand): 5'-TGTCGGCATGTCTAAGTACCAGGAAGACACCTGCTATGGCGATGCGGGCAGTGCCTTTGC[C>T]GTTCACGACCTGGAGGAGGACACCTGGTACGCGGCTGGGATCCTAAGCTTTGATAAGAGC-3'
Protein context (NP_066275.3, residues 292-312): TCYGDAGSAF[Ala302=]VHDLEEDTWY

ClinVar aggregate classification (germline): Likely benign (1 of 4 stars; one submission).

Submission:

CeGaT Center for Human Genetics Tuebingen
Classification: Likely benign. Last evaluated: 2026-03-01. Review status: criteria provided, single submitter. Criteria: CeGaT Center For Human Genetics Tuebingen Variant Classification Criteria Version 2. Collection method: clinical testing. Allele origin: germline. Affected: yes. Observed: 1 variant allele.
Comment: HPR: BP4, BP7